The following is an entry in ClinVar:

NM_001378452.1(ITPR1):c.1454C>G (p.Thr485Ser)

Gene: ITPR1 (inositol 1,4,5-trisphosphate receptor type 1; plus strand). Cytogenetic location: 3p26.1.
Variant type: single nucleotide variant.
Coding change: c.1454C>G on transcript NM_001378452.1 (MANE Select); coding-DNA position 1454, C replaced by G.
Protein change: p.Thr485Ser; replaces threonine 485 with serine.
Molecular consequence: missense variant.
Genome position (GRCh38, 1-based): chr3:4,663,106, C>G. VCF-style: chr3-4663106-C-G. GRCh37 (hg19) VCF-style: chr3-4704790-C-G.
Other names: c.1454C>G, p.Thr485Ser (NM_001099952.4); c.1409C>G, p.Thr470Ser (NM_001168272.2, NM_002222.7); c.1409C>G (NM_002222.5); short protein forms T470S, T485S.
Identifiers: ClinVar variation 1419562 (VCV001419562.9), dbSNP rs1465080574, ClinGen allele CA351641332.

ClinVar aggregate classification (germline): Uncertain significance. Review status: criteria provided, multiple submitters, no conflicts (2 of 4 stars). 2 submissions from 2 submitters: Uncertain significance (2). Last evaluated 2023-12-27.

Conditions:
Inborn genetic diseases. Identifiers: MedGen C0950123, MeSH D030342.

Allele frequency attached by ClinVar (database versions not stated): gnomAD 0.00001; gnomAD exomes 0.00001; TOPMed 0.00001.
gnomAD v4.1: 4 of 1,613,624 alleles (0.00025%); highest among the groups gnomAD compares: Non-Finnish European, 0.00025%; no homozygotes.

Submissions (2):

Ambry Genetics
Classification: Uncertain significance for Inborn genetic diseases. Last evaluated: 2023-12-27. Review status: criteria provided, single submitter. Criteria: Ambry Variant Classification Scheme 2023. Collection method: clinical testing. Allele origin: germline.

Labcorp Genetics (formerly Invitae), Labcorp
Classification: Uncertain significance. Last evaluated: 2021-09-14. Review status: criteria provided, single submitter. Criteria: Invitae Variant Classification Sherloc (09022015). Collection method: clinical testing. Allele origin: germline.
Comment: In summary, the available evidence is currently insufficient to determine the role of this variant in disease. Therefore, it has been classified as a Variant of Uncertain Significance. Algorithms developed to predict the effect of sequence changes on RNA splicing suggest that this variant may create or strengthen a splice site. Algorithms developed to predict the effect of missense changes on protein structure and function (SIFT, PolyPhen-2, Align-GVGD) all suggest that this variant is likely to be tolerated. This variant has not been reported in the literature in individuals affected with ITPR1-related conditions. This variant is not present in population databases (ExAC no frequency). This sequence change replaces threonine with serine at codon 470 of the ITPR1 protein (p.Thr470Ser). The threonine residue is moderately conserved and there is a small physicochemical difference between threonine and serine.